The following is an entry in ClinVar:

NM_003331.5(TYK2):c.1108C>T (p.Arg370Trp)

Gene: TYK2 (tyrosine kinase 2; minus strand). Cytogenetic location: 19p13.2.
Variant type: single nucleotide variant.
Coding change: c.1108C>T on transcript NM_003331.5 (MANE Select); coding-DNA position 1108, C replaced by T.
Protein change: p.Arg370Trp; replaces arginine 370 with tryptophan.
Molecular consequence: missense variant.
Genome position (GRCh38, 1-based): chr19:10,364,952, G>A on the plus strand (C>T on the coding strand, the complement: TYK2 is on the minus strand). VCF-style: chr19-10364952-G-A. GRCh37 (hg19) VCF-style: chr19-10475628-G-A.
Other names: short protein forms R370W.
Identifiers: ClinVar variation 889613 (VCV000889613.12), dbSNP rs550060811, ClinGen allele CA9193525.

ClinVar aggregate classification (germline): Conflicting classifications of pathogenicity. Review status: criteria provided, conflicting classifications (1 of 4 stars). 3 submissions from 3 submitters: Uncertain significance (1); Likely benign (2). Last evaluated 2025-12-01.

Conditions:
Inborn genetic diseases. Identifiers: MedGen C0950123, MeSH D030342.
Immunodeficiency 35 (IMD35). Also called: HIES WITH ATYPICAL MYCOBACTERIOSIS, AUTOSOMAL RECESSIVE; HYPER-IgE SYNDROME WITH ATYPICAL MYCOBACTERIOSIS, AUTOSOMAL RECESSIVE; TYK2 DEFICIENCY; Susceptibility to infection due to TYK2 deficiency. Identifiers: Orphanet 331226, MedGen C1969086, MONDO:0012682, OMIM 611521.

Allele frequency attached by ClinVar (database versions not stated): TOPMed 0.00001; 1000 Genomes Project 0.00020; gnomAD exomes 0.00024 and 0.00048; 1000 Genomes Project 30x 0.00047; ExAC 0.00050.
gnomAD v4.1: 369 of 1,614,102 alleles (0.023%); highest among the groups gnomAD compares: South Asian, 0.39%; 5 homozygotes.

Submissions (3):

Labcorp Genetics (formerly Invitae), Labcorp
Classification: Likely benign for Immunodeficiency 35. Last evaluated: 2025-12-01. Review status: criteria provided, single submitter. Criteria: Invitae Variant Classification Sherloc (09022015). Collection method: clinical testing. Allele origin: germline.

Ambry Genetics
Classification: Uncertain significance for Inborn genetic diseases. Last evaluated: 2023-10-13. Review status: criteria provided, single submitter. Criteria: Ambry Variant Classification Scheme 2023. Collection method: clinical testing. Allele origin: germline.

Illumina Laboratory Services, Illumina
Classification: Likely benign for Immunodeficiency 35. Last evaluated: 2018-01-13. Review status: criteria provided, single submitter. Criteria: ICSL Variant Classification Criteria 13 December 2019. Collection method: clinical testing. Allele origin: germline.
Comment: This variant was observed in the ICSL laboratory as part of a predisposition screen in an ostensibly healthy population. It had not been previously curated by ICSL or reported in the Human Gene Mutation Database (HGMD: prior to June 1st, 2018), and was therefore a candidate for classification through an automated scoring system. Utilizing variant allele frequency, disease prevalence and penetrance estimates, and inheritance mode, an automated score was calculated to assess if this variant is too frequent to cause the disease. Based on the score and internal cut-off values, a variant classified as likely benign is not then subjected to further curation. The score for this variant resulted in a classification of likely benign for this disease.